The following is an entry in ClinVar:

NM_000321.3(RB1):c.501-38G>A

Gene: RB1 (RB transcriptional corepressor 1; plus strand). Cytogenetic location: 13q14.2.
Variant type: single nucleotide variant.
Coding change: c.501-38G>A on transcript NM_000321.3 (MANE Select); 38 bases into the intron before coding-DNA position 501, G replaced by A.
Molecular consequence: intron variant.
Genome position (GRCh38, 1-based): chr13:48,347,787, G>A. VCF-style: chr13-48347787-G-A. GRCh37 (hg19) VCF-style: chr13-48921923-G-A.
Identifiers: ClinVar variation 1191105 (VCV001191105.3), dbSNP rs3092884, ClinGen allele CA038408.

ClinVar aggregate classification (germline): Likely benign. Review status: criteria provided, multiple submitters, no conflicts (2 of 4 stars). 2 submissions from 2 submitters: Likely benign (2). Last evaluated 2025-09-17.

Conditions:
Hereditary retinoblastoma. Identifiers: Orphanet 357027, MedGen C0751483, MONDO:0018160.

Allele frequency attached by ClinVar (database versions not stated): ExAC 0.00326; ESP Exome Variant Server 0.00975; gnomAD 0.00979 and 0.01032; TOPMed 0.01030; 1000 Genomes Project 0.01178; 1000 Genomes Project 30x 0.01202.
gnomAD v4.1: 2,684 of 1,463,304 alleles (0.18%); highest among the groups gnomAD compares: African/African-American, 3.3%; 46 homozygotes.

Submissions (2):

Ramesar Group, Division of Human Genetics, Institute of Infectious Diseases and Molecular Medicine, UCT/MRC Genomic and Precision Medicine Research Unit, University of Cape Town
Classification: Likely benign for Hereditary retinoblastoma. Last evaluated: 2025-09-17. Review status: criteria provided, single submitter. Criteria: ACMG Guidelines, 2015. Collection method: research. Allele origin: germline. Affected: no.
Comment: BP5 - Variant found in a patient with a different retinal disease; RB1 is not associated with the phenotype BP7 - A non-coding variant with no predicted effect on splicing (SpliceAI scores are negligible)

GeneDx
Classification: Likely benign. Last evaluated: 2018-06-26. Review status: criteria provided, single submitter. Criteria: GeneDx Variant Classification Process June 2021. Collection method: clinical testing. Allele origin: germline. Affected: yes.